The following is an entry in ClinVar:

ClinVar aggregate classification (germline): Likely benign (1 of 4 stars; one submission).

Conditions:
CRB2-related disorder. Also called: CRB2-related disorders; CRB2-related condition.

gnomAD v4.1: 14 of 1,511,366 alleles (0.00093%); highest among the groups gnomAD compares: African/African-American, 0.0057%; no homozygotes.

Submission:

PreventionGenetics, part of Exact Sciences
Classification: Likely benign for CRB2-related condition. Last evaluated: 2025-09-02. Review status: criteria provided, single submitter. Criteria: ACMG Guidelines, 2015. Collection method: clinical testing. Allele origin: germline.
Comment: This variant is classified as likely benign based on ACMG/AMP sequence variant interpretation guidelines (Richards et al. 2015 PMID: 25741868, with internal and published modifications).

NM_173689.7(CRB2):c.2679C>T (p.Leu893=)

Gene: CRB2 (crumbs cell polarity complex component 2; plus strand). Cytogenetic location: 9q33.3.
Variant type: single nucleotide variant.
Coding change: c.2679C>T on transcript NM_173689.7 (MANE Select); coding-DNA position 2679, C replaced by T.
Protein change: p.Leu893=; no amino-acid change (leucine 893 retained).
Molecular consequence: synonymous variant. On other transcripts: non-coding transcript variant (1).
Genome position (GRCh38, 1-based): chr9:123,373,210, C>T. VCF-style: chr9-123373210-C-T. GRCh37 (hg19) VCF-style: chr9-126135489-C-T.
Identifiers: ClinVar variation 4981300 (VCV004981300.1).